The following is an entry in ClinVar:

NM_005754.3(G3BP1):c.248A>T (p.His83Leu)

Gene: G3BP1 (G3BP stress granule assembly factor 1; plus strand). Cytogenetic location: 5q33.1.
Variant type: single nucleotide variant.
Coding change: c.248A>T on transcript NM_005754.3 (MANE Select); coding-DNA position 248, A replaced by T.
Protein change: p.His83Leu; replaces histidine 83 with leucine.
Molecular consequence: missense variant.
Genome position (GRCh38, 1-based): chr5:151,790,959, A>T. VCF-style: chr5-151790959-A-T. GRCh37 (hg19) VCF-style: chr5-151170520-A-T.
Other names: c.248A>T, p.His83Leu (NM_198395.2); short protein forms H83L.
Identifiers: ClinVar variation 3383910 (VCV003383910.1).

ClinVar aggregate classification (germline): Uncertain significance (1 of 4 stars; one submission).

gnomAD v4.1: 1 of 1,611,472 alleles (0.000062%); highest among the groups gnomAD compares: South Asian, 0.0011%; no homozygotes.

Submission:

GeneDx
Classification: Uncertain significance. Last evaluated: 2024-06-02. Review status: criteria provided, single submitter. Criteria: GeneDx Variant Classification Process June 2021. Collection method: clinical testing. Allele origin: germline. Affected: yes.
Comment: Not observed at significant frequency in large population cohorts (gnomAD); In silico analysis supports that this missense variant has a deleterious effect on protein structure/function; Has not been previously published as pathogenic or benign to our knowledge